The following is an entry in ClinVar:

ClinVar aggregate classification (germline): Conflicting classifications of pathogenicity. Review status: criteria provided, conflicting classifications (1 of 4 stars). 4 submissions from 4 submitters: Uncertain significance (1); Likely benign (2). 1 of the submissions does not count toward it. Last evaluated 2025-11-27.

Conditions:
Inborn genetic diseases. Identifiers: MedGen C0950123, MeSH D030342.
CUBN-related disorder. Also called: CUBN-related condition.
Imerslund-Grasbeck syndrome. Also called: Megaloblastic anemia due to inborn errors of metabolism; ENTEROCYTE COBALAMIN MALABSORPTION; ENTEROCYTE INTRINSIC FACTOR RECEPTOR, DEFECT OF; Imerslund-Gräsbeck syndrome; PERNICIOUS ANEMIA, JUVENILE, DUE TO SELECTIVE INTESTINAL MALABSORPTION OF VITAMIN B12, WITH PROTEINURIA. Identifiers: Orphanet 35858, MedGen C4551825, MONDO:0009853.
Imerslund-Grasbeck syndrome type 1 (IGS1). Also called: Megaloblastic anemia 1, Finnish type; MEGALOBLASTIC ANEMIA, 1; Imerslund-Gräsbeck syndrome 1. Identifiers: MedGen C4016819, MONDO:0100156, OMIM 261100.
Proteinuria, chronic benign. Identifiers: MedGen C5394384, MONDO:0030042, OMIM 618884.

Allele frequency attached by ClinVar (database versions not stated): TOPMed 0.00002; gnomAD exomes below 0.00001 and 0.00002; gnomAD 0.00004 and 0.00001; ExAC 0.00002.
gnomAD v4.1: 41 of 1,613,040 alleles (0.0025%); highest among the groups gnomAD compares: East Asian, 0.013%; 1 homozygote.

Submissions (4):

Labcorp Genetics (formerly Invitae), Labcorp
Classification: Likely benign for Imerslund-Grasbeck syndrome. Last evaluated: 2025-11-27. Review status: criteria provided, single submitter. Criteria: Invitae Variant Classification Sherloc (09022015). Collection method: clinical testing. Allele origin: germline.

Ambry Genetics
Classification: Uncertain significance for Inborn genetic diseases. Last evaluated: 2023-12-22. Review status: criteria provided, single submitter. Criteria: Ambry Variant Classification Scheme 2023. Collection method: clinical testing. Allele origin: germline.
Comment: The c.6822-6C>T intronic alteration consists of a C to T substitution 6 nucleotides before coding exon 45 in the CUBN gene. Based on insufficient or conflicting evidence, the clinical significance of this alteration remains unclear.

Fulgent Genetics
Classification: Likely benign for Imerslund-Grasbeck syndrome type 1; Proteinuria, chronic benign. Last evaluated: 2021-10-26. Review status: criteria provided, single submitter. Criteria: ACMG Guidelines, 2015. Collection method: clinical testing. Allele origin: unknown.

PreventionGenetics, part of Exact Sciences
Classification: Likely benign for CUBN-related condition. Last evaluated: 2021-09-08. Review status: no assertion criteria provided. Collection method: clinical testing. Allele origin: germline. Not counted in ClinVar's aggregate classification.
Comment: This variant is classified as likely benign based on ACMG/AMP sequence variant interpretation guidelines (Richards et al. 2015 PMID: 25741868, with internal and published modifications).

NM_001081.4(CUBN):c.6822-6C>T

Gene: CUBN (cubilin; minus strand). Cytogenetic location: 10p13.
Variant type: single nucleotide variant.
Coding change: c.6822-6C>T on transcript NM_001081.4 (MANE Select); 6 bases into the intron before coding-DNA position 6822, C replaced by T.
Molecular consequence: intron variant.
Genome position (GRCh38, 1-based): chr10:16,918,806, G>A on the plus strand (C>T on the coding strand, the complement: CUBN is on the minus strand). VCF-style: chr10-16918806-G-A. GRCh37 (hg19) VCF-style: chr10-16960805-G-A.
Identifiers: ClinVar variation 698278 (VCV000698278.14), dbSNP rs762758607, ClinGen allele CA5423545.